The following is an entry in ClinVar:

ClinVar aggregate classification (germline): Uncertain significance (1 of 4 stars; one submission).

Conditions:
Familial cancer of breast. Also called: BREAST CANCER, FAMILIAL; Hereditary breast cancer; hereditary breast carcinoma. Identifiers: Orphanet 227535, MedGen C0346153, MONDO:0016419, OMIM 114480. Disease mechanism: loss of function.

Submission:

Labcorp Genetics (formerly Invitae), Labcorp
Classification: Uncertain significance for Familial cancer of breast. Last evaluated: 2024-01-18. Review status: criteria provided, single submitter. Criteria: Invitae Variant Classification Sherloc (09022015). Collection method: clinical testing. Allele origin: germline.
Comment: This variant results in a copy number gain of the genomic region encompassing exon(s) 11-12 of the PALB2 gene. While the exact position of this variant cannot be determined from the data, sub-genic copy number gains are generally in tandem (PMID: 25640679). This variant is predicted to be in-frame, and likely preserves the integrity of the reading frame. This variant has not been reported in the literature in individuals affected with PALB2-related conditions. In summary, the available evidence is currently insufficient to determine the role of this variant in disease. Therefore, it has been classified as a Variant of Uncertain Significance.

Literature cited by the submitters: PubMed 25640679.

NC_000016.9:g.(?_23619175)_(23625422_?)dup

Gene: PALB2 (partner and localizer of BRCA2; minus strand). Cytogenetic location: 16p12.2.
Variant type: Duplication.
Identifiers: ClinVar variation 1447443 (VCV001447443.5).